The following is an entry in ClinVar:

ClinVar aggregate classification (germline): Uncertain significance. Review status: criteria provided, multiple submitters, no conflicts (2 of 4 stars). 2 submissions from 2 submitters: Uncertain significance (2). Last evaluated 2024-05-02.

Conditions:
Inborn genetic diseases. Identifiers: MedGen C0950123, MeSH D030342.

gnomAD v4.1: 17 of 1,547,204 alleles (0.0011%); highest among the groups gnomAD compares: African/African-American, 0.023%; no homozygotes.

Submissions (2):

Labcorp Genetics (formerly Invitae), Labcorp
Classification: Uncertain significance. Last evaluated: 2024-05-02. Review status: criteria provided, single submitter. Criteria: Invitae Variant Classification Sherloc (09022015). Collection method: clinical testing. Allele origin: germline.
Comment: This sequence change replaces threonine, which is neutral and polar, with alanine, which is neutral and non-polar, at codon 1338 of the DCHS1 protein (p.Thr1338Ala). The frequency data for this variant in the population databases is considered unreliable, as metrics indicate poor data quality at this position in the gnomAD database. This variant has not been reported in the literature in individuals affected with DCHS1-related conditions. Advanced modeling of protein sequence and biophysical properties (such as structural, functional, and spatial information, amino acid conservation, physicochemical variation, residue mobility, and thermodynamic stability) performed at Invitae indicates that this missense variant is not expected to disrupt DCHS1 protein function with a negative predictive value of 80%. In summary, the available evidence is currently insufficient to determine the role of this variant in disease. Therefore, it has been classified as a Variant of Uncertain Significance.

Ambry Genetics
Classification: Uncertain significance for Inborn genetic diseases. Last evaluated: 2024-04-20. Review status: criteria provided, single submitter. Criteria: Ambry Variant Classification Scheme 2023. Collection method: clinical testing. Allele origin: germline.

NM_003737.4(DCHS1):c.4012A>G (p.Thr1338Ala)

Gene: DCHS1 (dachsous cadherin-related 1; minus strand). Cytogenetic location: 11p15.4.
Variant type: single nucleotide variant.
Coding change: c.4012A>G on transcript NM_003737.4 (MANE Select); coding-DNA position 4012, A replaced by G.
Protein change: p.Thr1338Ala; replaces threonine 1338 with alanine.
Molecular consequence: missense variant.
Genome position (GRCh38, 1-based): chr11:6,630,782, T>C on the plus strand (A>G on the coding strand, the complement: DCHS1 is on the minus strand). VCF-style: chr11-6630782-T-C. GRCh37 (hg19) VCF-style: chr11-6652013-T-C.
Other names: short protein forms T1338A.
Identifiers: ClinVar variation 3271057 (VCV003271057.3).